The following is an entry in ClinVar:

NM_015330.6(SPECC1L):c.865T>C (p.Phe289Leu)

Genes: SPECC1L (sperm antigen with calponin homology and coiled-coil domains 1 like; plus strand), SPECC1L-ADORA2A (SPECC1L-ADORA2A readthrough (NMD candidate); plus strand). Cytogenetic location: 22q11.23.
Variant type: single nucleotide variant.
Coding change: c.865T>C on transcript NM_015330.6 (MANE Select); coding-DNA position 865, T replaced by C.
Protein change: p.Phe289Leu; replaces phenylalanine 289 with leucine.
Molecular consequence: missense variant. On other transcripts: non-coding transcript variant (1).
Genome position (GRCh38, 1-based): chr22:24,321,845, T>C. VCF-style: chr22-24321845-T-C. GRCh37 (hg19) VCF-style: chr22-24717813-T-C.
Other names: c.865T>C, p.Phe289Leu (NM_001145468.4, NM_001254732.3); short protein forms F289L.
Identifiers: ClinVar variation 3375050 (VCV003375050.1).

ClinVar aggregate classification (germline): Uncertain significance (1 of 4 stars; one submission).

Submission:

Women's Health and Genetics/Laboratory Corporation of America, LabCorp
Classification: Uncertain significance. Last evaluated: 2024-09-04. Review status: criteria provided, single submitter. Criteria: LabCorp Variant Classification Summary - May 2015. Collection method: clinical testing. Allele origin: germline.
Comment: Variant summary: SPECC1L c.865T>C (p.Phe289Leu) results in a non-conservative amino acid change in the encoded protein sequence. Three of five in-silico tools predict a benign effect of the variant on protein function. The variant was absent in 251462 control chromosomes. The available data on variant occurrences in the general population are insufficient to allow any conclusion about variant significance. To our knowledge, no occurrence of c.865T>C in individuals affected with SPECC1L-Related Disorders and no experimental evidence demonstrating its impact on protein function have been reported. No submitters have cited clinical-significance assessments for this variant to ClinVar. Based on the evidence outlined above, the variant was classified as uncertain significance.